The following is an entry in ClinVar:

NM_001286.5(CLCN6):c.455C>T (p.Pro152Leu)

Gene: CLCN6 (chloride voltage-gated channel 6; plus strand). Cytogenetic location: 1p36.22.
Variant type: single nucleotide variant.
Coding change: c.455C>T on transcript NM_001286.5 (MANE Select); coding-DNA position 455, C replaced by T.
Protein change: p.Pro152Leu; replaces proline 152 with leucine.
Molecular consequence: missense variant. On other transcripts: non-coding transcript variant (1).
Genome position (GRCh38, 1-based): chr1:11,823,708, C>T. VCF-style: chr1-11823708-C-T. GRCh37 (hg19) VCF-style: chr1-11883765-C-T.
Other names: c.389C>T, p.Pro130Leu (NM_001256959.2); short protein forms P130L, P152L.
Identifiers: ClinVar variation 3010627 (VCV003010627.3), dbSNP rs749895146, ClinGen allele CA596094.
Genomic context (GRCh38, chr1:11,823,708, plus strand): 5'-GGGTAAGCCAGAGAACCAATGGATTTCGAGTTATGGGTGTGCCTGCTCTCCTCCATCAGC[C>T]GGTGGCAGCAGGTTCCGGGATACCCGAGGTCAAATGCTATCTGAATGGCGTAAAGGTGCC-3'
Protein context (NP_001277.2, residues 142-162): FLASLLVLIE[Pro152Leu]VAAGSGIPEV

ClinVar aggregate classification (germline): Uncertain significance (1 of 4 stars; one submission).

Allele frequency attached by ClinVar (database versions not stated): ExAC 0.00001; gnomAD exomes 0.00001; TOPMed 0.00001.
gnomAD v4.1: 11 of 1,614,016 alleles (0.00068%); highest among the groups gnomAD compares: East Asian, 0.0022%; no homozygotes.

Submission:

Labcorp Genetics (formerly Invitae), Labcorp
Classification: Uncertain significance. Last evaluated: 2022-12-04. Review status: criteria provided, single submitter. Criteria: Invitae Variant Classification Sherloc (09022015). Collection method: clinical testing. Allele origin: germline.
Comment: This variant has not been reported in the literature in individuals affected with CLCN6-related conditions. This variant is present in population databases (rs749895146, gnomAD 0.006%). This sequence change replaces proline, which is neutral and non-polar, with leucine, which is neutral and non-polar, at codon 152 of the CLCN6 protein (p.Pro152Leu). Algorithms developed to predict the effect of missense changes on protein structure and function (SIFT, PolyPhen-2, Align-GVGD) all suggest that this variant is likely to be disruptive. In summary, the available evidence is currently insufficient to determine the role of this variant in disease. Therefore, it has been classified as a Variant of Uncertain Significance.